The following is an entry in ClinVar:

ClinVar aggregate classification (germline): Benign (1 of 4 stars; one submission).

Allele frequency attached by ClinVar (database versions not stated): TOPMed 0.39521; gnomAD 0.39761 and 0.39763; 1000 Genomes Project 30x 0.41833; 1000 Genomes Project 0.41873.
gnomAD v4.1: 60,584 of 151,862 alleles (40%); highest among the groups gnomAD compares: East Asian, 50%; 12,220 homozygotes.

Submission:

GeneDx
Classification: Benign. Last evaluated: 2018-06-12. Review status: criteria provided, single submitter. Criteria: GeneDx Variant Classification (06012015). Collection method: clinical testing. Allele origin: germline. Affected: yes.
Comment: This variant is considered likely benign or benign based on one or more of the following criteria: it is a conservative change, it occurs at a poorly conserved position in the protein, it is predicted to be benign by multiple in silico algorithms, and/or has population frequency not consistent with disease.

NM_015450.3(POT1):c.1792+209T>A

Gene: POT1 (protection of telomeres 1; minus strand). Cytogenetic location: 7q31.33.
Variant type: single nucleotide variant.
Coding change: c.1792+209T>A on transcript NM_015450.3 (MANE Select); 209 bases into the intron after coding-DNA position 1792, T replaced by A.
Molecular consequence: intron variant.
Genome position (GRCh38, 1-based): chr7:124,825,043, A>T on the plus strand (T>A on the coding strand, the complement: POT1 is on the minus strand). VCF-style: chr7-124825043-A-T. GRCh37 (hg19) VCF-style: chr7-124465097-A-T.
Other names: c.1399+209T>A (NM_001042594.2).
Identifiers: ClinVar variation 677020 (VCV000677020.1), dbSNP rs2301930, ClinGen allele CA15514540.